The following is an entry in ClinVar:

ClinVar aggregate classification (germline): Conflicting classifications of pathogenicity. Review status: criteria provided, conflicting classifications (1 of 4 stars). 4 submissions from 4 submitters: Uncertain significance (1); Likely benign (2). 1 of the submissions does not count toward it. Last evaluated 2026-01-27.

Conditions:
SKIC2-related disorder. Also called: SKIC2-related condition.
Trichohepatoenteric syndrome 2 (THES2). Identifiers: Orphanet 84064, MedGen C3281289, MONDO:0013818, OMIM 614602.

Allele frequency attached by ClinVar (database versions not stated): ExAC 0.00021; TOPMed 0.00024; ESP Exome Variant Server 0.00036; 1000 Genomes Project 30x 0.00078; 1000 Genomes Project 0.00080.
gnomAD v4.1: 824 of 1,612,598 alleles (0.051%); highest among the groups gnomAD compares: Non-Finnish European, 0.066%; no homozygotes.

Submissions (4):

Labcorp Genetics (formerly Invitae), Labcorp
Classification: Likely benign. Last evaluated: 2026-01-27. Review status: criteria provided, single submitter. Criteria: Invitae Variant Classification Sherloc (09022015). Collection method: clinical testing. Allele origin: germline.

Blueprint Genetics
Classification: Likely benign. Last evaluated: 2024-11-22. Review status: criteria provided, single submitter. Criteria: ACMG Guidelines, 2015. Collection method: clinical testing. Allele origin: germline.

Illumina Laboratory Services, Illumina
Classification: Uncertain significance for Trichohepatoenteric syndrome 2. Last evaluated: 2018-01-12. Review status: criteria provided, single submitter. Criteria: ICSL Variant Classification Criteria 13 December 2019. Collection method: clinical testing. Allele origin: germline.

PreventionGenetics, part of Exact Sciences
Classification: Likely benign for SKIC2-related condition. Last evaluated: 2020-02-07. Review status: no assertion criteria provided. Collection method: clinical testing. Allele origin: germline. Not counted in ClinVar's aggregate classification.
Comment: This variant is classified as likely benign based on ACMG/AMP sequence variant interpretation guidelines (Richards et al. 2015 PMID: 25741868, with internal and published modifications).

NM_006929.5(SKIC2):c.2479-7T>C

Gene: SKIC2 (SKI2 subunit of superkiller complex; plus strand). Cytogenetic location: 6p21.33.
Variant type: single nucleotide variant.
Coding change: c.2479-7T>C on transcript NM_006929.5 (MANE Select); 7 bases into the intron before coding-DNA position 2479, T replaced by C.
Molecular consequence: intron variant.
Genome position (GRCh38, 1-based): chr6:31,967,266, T>C. VCF-style: chr6-31967266-T-C. GRCh37 (hg19) VCF-style: chr6-31935043-T-C.
Identifiers: ClinVar variation 905892 (VCV000905892.14), dbSNP rs190972540, ClinGen allele CA3729790.
Genomic context (GRCh38, chr6:31,967,266, plus strand): 5'-TGCTACTAAACTTAGTCCAAGTGTCTGTCCCTGTGATGCCTCCTCCCATCTGTCCTTTGC[T>C]CTTCAGCGACGCATCATGGAGTCTGTGAACGGGCTGAAGTCTCTCTCAGCAGGAAGGGTG-3'